The following is an entry in ClinVar:

ClinVar aggregate classification (germline): Uncertain significance (1 of 4 stars; one submission).

gnomAD v4.1: 1 of 1,612,738 alleles (0.000062%); highest among the groups gnomAD compares: Non-Finnish European, 0.000085%; no homozygotes.

Submission:

Ambry Genetics
Classification: Uncertain significance. Last evaluated: 2025-09-01. Review status: criteria provided, single submitter. Criteria: Ambry Variant Classification Scheme 2023. Collection method: clinical testing. Allele origin: germline.
Comment: The p.G1284V variant (also known as c.3851G>T), located in coding exon 16 of the WNK2 gene, results from a G to T substitution at nucleotide position 3851. The glycine at codon 1284 is replaced by valine, an amino acid with dissimilar properties. This amino acid position is conserved. In addition, this alteration is predicted to be tolerated by in silico analysis. Based on the available evidence, the clinical significance of this variant remains unclear.

NM_006648.4(WNK2):c.3851G>T (p.Gly1284Val)

Gene: WNK2 (WNK lysine deficient protein kinase 2; plus strand). Cytogenetic location: 9q22.31.
Variant type: single nucleotide variant.
Coding change: c.3851G>T on transcript NM_006648.4 (MANE Select); coding-DNA position 3851, G replaced by T.
Protein change: p.Gly1284Val; replaces glycine 1284 with valine.
Molecular consequence: missense variant.
Genome position (GRCh38, 1-based): chr9:93,267,900, G>T. VCF-style: chr9-93267900-G-T. GRCh37 (hg19) VCF-style: chr9-96030182-G-T.
Other names: c.3851G>T, p.Gly1284Val (NM_001282394.3); short protein forms G1284V.
Identifiers: ClinVar variation 4201859 (VCV004201859.1).